The following is an entry in ClinVar:

NC_000013.10:g.(?_48934141)_(49054207_?)del

Genes: LPAR6 (lysophosphatidic acid receptor 6; minus strand), RB1 (RB transcriptional corepressor 1; plus strand). Cytogenetic location: 13q14.2.
Variant type: Deletion.
Identifiers: ClinVar variation 3244130 (VCV003244130.1).

ClinVar aggregate classification (germline): Pathogenic (1 of 4 stars; one submission).

Conditions:
Retinoblastoma (RB1). Also called: RETINOBLASTOMA, SOMATIC. Identifiers: Orphanet 790, MedGen C0035335, MeSH D012175, MONDO:0008380, OMIM 180200, HP:0009919. Disease mechanism: loss of function. Inheritance: Both sporadic and heritable forms are tested..

Submission:

Labcorp Genetics (formerly Invitae), Labcorp
Classification: Pathogenic for Retinoblastoma. Last evaluated: 2023-04-28. Review status: criteria provided, single submitter. Criteria: Invitae Variant Classification Sherloc (09022015). Collection method: clinical testing. Allele origin: unknown.
Comment: This variant is a gross deletion of the genomic region encompassing exon(s) 7-27 of the RB1 gene, which includes the termination codon. This deletion extends beyond the assayed region for this gene and therefore may encompass additional genes. While this deletion is not anticipated to lead to nonsense mediated decay, it is expected to alter mRNA translation or result in a truncated protein product. For these reasons, this variant has been classified as Pathogenic. This variant disrupts a region of the RB1 protein in which other variant(s) (p.Ser888Asn) have been determined to be pathogenic (PMID: 24225018, 27879208; Invitae). This suggests that this is a clinically significant region of the protein, and that variants that disrupt it are likely to be disease-causing. A similar copy number variant has been observed in individual(s) with retinoblastoma (PMID: 33493472).

Literature cited by the submitters: PubMed 24225018; PubMed 27879208; PubMed 33493472.